The following is an entry in ClinVar:

ClinVar aggregate classification (germline): Uncertain significance (1 of 4 stars; one submission).

Allele frequency attached by ClinVar (database versions not stated): gnomAD 0.00001; TOPMed 0.00001.
gnomAD v4.1: 14 of 1,604,786 alleles (0.00087%); highest among the groups gnomAD compares: East Asian, 0.0023%; no homozygotes.

Submission:

Labcorp Genetics (formerly Invitae), Labcorp
Classification: Uncertain significance. Last evaluated: 2025-07-15. Review status: criteria provided, single submitter. Criteria: Invitae Variant Classification Sherloc (09022015). Collection method: clinical testing. Allele origin: germline.
Comment: This sequence change replaces serine, which is neutral and polar, with leucine, which is neutral and non-polar, at codon 90 of the KMT2A protein (p.Ser90Leu). This variant is present in population databases (no rsID available, gnomAD 0.006%). This variant has not been reported in the literature in individuals affected with KMT2A-related conditions. ClinVar contains an entry for this variant (Variation ID: 1952835). Invitae Evidence Modeling of protein sequence and biophysical properties (such as structural, functional, and spatial information, amino acid conservation, physicochemical variation, residue mobility, and thermodynamic stability) has been performed for this missense variant. However, the output from this modeling did not meet the statistical confidence thresholds required to predict the impact of this variant on KMT2A protein function. In summary, the available evidence is currently insufficient to determine the role of this variant in disease. Therefore, it has been classified as a Variant of Uncertain Significance.

NM_001197104.2(KMT2A):c.269C>T (p.Ser90Leu)

Gene: KMT2A (lysine methyltransferase 2A; plus strand). Cytogenetic location: 11q23.3.
Variant type: single nucleotide variant.
Coding change: c.269C>T on transcript NM_001197104.2 (MANE Select); coding-DNA position 269, C replaced by T.
Protein change: p.Ser90Leu; replaces serine 90 with leucine.
Molecular consequence: missense variant.
Genome position (GRCh38, 1-based): chr11:118,436,781, C>T. VCF-style: chr11-118436781-C-T. GRCh37 (hg19) VCF-style: chr11-118307496-C-T.
Other names: c.269C>T, p.Ser90Leu (NM_001412597.1, NM_005933.4); short protein forms S90L.
Identifiers: ClinVar variation 1952835 (VCV001952835.5), dbSNP rs1555138708, ClinGen allele CA382797957.